The following is an entry in ClinVar:

ClinVar aggregate classification (germline): Uncertain significance (1 of 4 stars; one submission).

Conditions:
Neuroblastoma, susceptibility to, 3. Also called: ALK-Related Neuroblastic Tumor Susceptibility. Identifiers: Orphanet 635, MedGen C2751681, MONDO:0013083, OMIM 613014.

Submission:

Labcorp Genetics (formerly Invitae), Labcorp
Classification: Uncertain significance for Neuroblastoma, susceptibility to, 3. Last evaluated: 2021-04-23. Review status: criteria provided, single submitter. Criteria: Invitae Variant Classification Sherloc (09022015). Collection method: clinical testing. Allele origin: germline.
Comment: In summary, the available evidence is currently insufficient to determine the role of this variant in disease. Therefore, it has been classified as a Variant of Uncertain Significance. Algorithms developed to predict the effect of missense changes on protein structure and function output the following: SIFT: "Deleterious"; PolyPhen-2: "Benign"; Align-GVGD: "Class C0". The threonine amino acid residue is found in multiple mammalian species, suggesting that this missense change does not adversely affect protein function. These predictions have not been confirmed by published functional studies and their clinical significance is uncertain. This variant has not been reported in the literature in individuals with ALK-related conditions. This variant is not present in population databases (ExAC no frequency). This sequence change replaces methionine with threonine at codon 1138 of the ALK protein (p.Met1138Thr). The methionine residue is weakly conserved and there is a moderate physicochemical difference between methionine and threonine.

NM_004304.5(ALK):c.3413T>C (p.Met1138Thr)

Gene: ALK (ALK receptor tyrosine kinase; minus strand). Cytogenetic location: 2p23.2.
Variant type: single nucleotide variant.
Coding change: c.3413T>C on transcript NM_004304.5 (MANE Select); coding-DNA position 3413, T replaced by C.
Protein change: p.Met1138Thr; replaces methionine 1138 with threonine.
Molecular consequence: missense variant.
Genome position (GRCh38, 1-based): chr2:29,222,554, A>G on the plus strand (T>C on the coding strand, the complement: ALK is on the minus strand). VCF-style: chr2-29222554-A-G. GRCh37 (hg19) VCF-style: chr2-29445420-A-G.
Other names: c.209T>C, p.Met70Thr (NM_001353765.2); short protein forms M1138T, M70T.
Identifiers: ClinVar variation 1347846 (VCV001347846.8), dbSNP rs2148169223, ClinGen allele CA346463851.